The following is an entry in ClinVar:

ClinVar aggregate classification (germline): Pathogenic (1 of 4 stars; one submission).

Submission:

Clinical Genomics Laboratory, Laboratory for Precision Diagnostics, University of Washington
Classification: Pathogenic. Last evaluated: 2019-12-06. Review status: criteria provided, single submitter. Criteria: Clinical Cytogenomics Laboratory Policy on CNV Interpretation. Collection method: clinical testing. Allele origin: unknown. Affected: yes. Observed: 1 variant allele.

Literature cited by the submitters: PubMed 25927380.

GRCh37/hg19 Xq28(chrX:154051891-155236747)x3

Genes: BRCC3 (BRCA1/BRCA2-containing complex subunit 3; plus strand), CLIC2 (chloride intracellular channel 2; minus strand), H2AB2 (H2A.B variant histone 2; plus strand), H2AB3 (H2A.B variant histone 3; minus strand), MTCP1 (mature T cell proliferation 1; minus strand) and 11 more. Cytogenetic location: Xq28.
Variant type: copy number gain.
Change: copy number 3 of chrX:154,051,891-155,236,747 (1.18 Mb, GRCh37 coordinates, 1-based), cytogenetic band Xq28.
Identifiers: ClinVar variation 929354 (VCV000929354.2).